The following is an entry in ClinVar:

ClinVar aggregate classification (germline): Uncertain significance. Review status: criteria provided, multiple submitters, no conflicts (2 of 4 stars). 3 submissions from 3 submitters: Uncertain significance (3). Last evaluated 2026-04-27.

Allele frequency attached by ClinVar (database versions not stated): gnomAD exomes 0.00001; ExAC 0.00002.
gnomAD v4.1: 3 of 1,614,136 alleles (0.00019%); highest among the groups gnomAD compares: Admixed American, 0.005%; no homozygotes.

Submissions (3):

Women's Health and Genetics/Laboratory Corporation of America, LabCorp
Classification: Uncertain significance. Last evaluated: 2026-04-27. Review status: criteria provided, single submitter. Criteria: LabCorp Variant Classification Summary - May 2015. Collection method: clinical testing. Allele origin: germline.

GeneDx
Classification: Uncertain significance. Last evaluated: 2025-05-08. Review status: criteria provided, single submitter. Criteria: GeneDx Variant Classification Process June 2021. Collection method: clinical testing. Allele origin: germline. Affected: yes.
Comment: In silico analysis suggests that this missense variant does not alter protein structure/function; Has not been previously published as pathogenic or benign to our knowledge

Labcorp Genetics (formerly Invitae), Labcorp
Classification: Uncertain significance. Last evaluated: 2023-12-09. Review status: criteria provided, single submitter. Criteria: Invitae Variant Classification Sherloc (09022015). Collection method: clinical testing. Allele origin: germline.
Comment: This sequence change replaces methionine, which is neutral and non-polar, with valine, which is neutral and non-polar, at codon 56 of the ALPL protein (p.Met56Val). This variant is present in population databases (rs760272172, gnomAD 0.006%). This variant has not been reported in the literature in individuals affected with ALPL-related conditions. ClinVar contains an entry for this variant (Variation ID: 1708611). Advanced modeling of protein sequence and biophysical properties (such as structural, functional, and spatial information, amino acid conservation, physicochemical variation, residue mobility, and thermodynamic stability) has been performed at Invitae for this missense variant, however the output from this modeling did not meet the statistical confidence thresholds required to predict the impact of this variant on ALPL protein function. In summary, the available evidence is currently insufficient to determine the role of this variant in disease. Therefore, it has been classified as a Variant of Uncertain Significance.

NM_000478.6(ALPL):c.166A>G (p.Met56Val)

Gene: ALPL (alkaline phosphatase, biomineralization associated; plus strand). Cytogenetic location: 1p36.12.
Variant type: single nucleotide variant.
Coding change: c.166A>G on transcript NM_000478.6 (MANE Select); coding-DNA position 166, A replaced by G.
Protein change: p.Met56Val; replaces methionine 56 with valine.
Molecular consequence: missense variant. On other transcripts: initiator codon variant (1), synonymous variant (1).
Genome position (GRCh38, 1-based): chr1:21,560,730, A>G. VCF-style: chr1-21560730-A-G. GRCh37 (hg19) VCF-style: chr1-21887223-A-G.
Other names: c.1A>G, p.Met1Val (NM_001127501.4); c.51A>G, p.Ser17= (NM_001177520.3); c.166A>G, p.Met56Val (NM_001369803.2, NM_001369804.2, NM_001369805.2); short protein forms M1V, M56V.
Identifiers: ClinVar variation 1708611 (VCV001708611.11), dbSNP rs760272172, ClinGen allele CA666409.
Genomic context (GRCh38, chr1:21,560,730, plus strand): 5'-ACACTGAAATATGCCCTGGAGCTTCAGAAGCTCAACACCAACGTGGCTAAGAATGTCATC[A>G]TGTTCCTGGGAGATGGTGAGGCCCAGGGGCCTGTGGGAGGGGTGGAACAGGACACCTAGC-3'
Protein context (NP_000469.3, residues 46-66): LNTNVAKNVI[Met56Val]FLGDGMGVST